The following is an entry in ClinVar:

ClinVar aggregate classification (germline): Pathogenic. Review status: criteria provided, multiple submitters, no conflicts (2 of 4 stars). 2 submissions from 2 submitters: Pathogenic (2). Last evaluated 2017-12-27.

Conditions:
Primary ciliary dyskinesia. Also called: Ciliary dyskinesia. Identifiers: Orphanet 244, MedGen C0008780, MONDO:0016575, HP:0012265.

Allele frequency attached by ClinVar (database versions not stated): gnomAD exomes below 0.00001.

Submissions (2):

Ambry Genetics
Classification: Pathogenic for Primary ciliary dyskinesia. Last evaluated: 2017-12-27. Review status: criteria provided, single submitter. Criteria: Ambry Variant Classification Scheme 2023. Collection method: clinical testing. Allele origin: germline.
Comment: The c.2852dupT pathogenic mutation, located in coding exon 18 of the CCDC40 gene, results from a duplication of T at nucleotide position 2852, causing a translational frameshift with a predicted alternate stop codon (p.K952Efs*46). This alteration is expected to result in loss of function by premature protein truncation or nonsense-mediated mRNA decay. As such, this alteration is interpreted as a disease-causing mutation.

Labcorp Genetics (formerly Invitae), Labcorp
Classification: Pathogenic for Primary ciliary dyskinesia. Last evaluated: 2017-07-06. Review status: criteria provided, single submitter. Criteria: Invitae Variant Classification Sherloc (09022015). Collection method: clinical testing. Allele origin: germline.
Comment: This sequence change creates a premature translational stop signal (p.Lys952Glufs*46) in the CCDC40 gene. It is expected to result in an absent or disrupted protein product. ClinVar contains an entry for this variant (Variation ID: 241240). Loss-of-function variants in CCDC40 are known to be pathogenic (PMID: 21131974, 22693285, 23255504). For these reasons, this variant has been classified as Pathogenic.

Literature cited by the submitters: PubMed 21131974 (cited by Labcorp Genetics (formerly Invitae), Labcorp); PubMed 22693285 (cited by Labcorp Genetics (formerly Invitae), Labcorp); PubMed 23255504 (cited by Labcorp Genetics (formerly Invitae), Labcorp).

NM_017950.4(CCDC40):c.2852dup (p.Lys952fs)

Gene: CCDC40 (coiled-coil domain 40 molecular ruler complex subunit; plus strand). Cytogenetic location: 17q25.3.
Variant type: Duplication.
Coding change: c.2852dup on transcript NM_017950.4 (MANE Select); coding-DNA position 2852, one base duplicated (T; older notation c.2852dupT).
Protein change: p.Lys952fs; shifts the reading frame from lysine 952.
Molecular consequence: frameshift variant.
Genome position (GRCh38, 1-based): chr17:80,095,282, T duplicated. VCF-style (leftmost placement, unchanged base first): chr17-80095281-C-CT. GRCh37 (hg19) VCF-style: chr17-78069080-C-CT.
Other names: short protein forms K952fs.
Identifiers: ClinVar variation 241240 (VCV000241240.11), dbSNP rs878855042, ClinGen allele CA10583692.
Genomic context (GRCh38, chr17:80,095,281, plus strand): 5'-TCAGGCCTGCCCCAGCCCCAGCCCCTCTGTCCTGTCTCCCAGGTCAGGCTCGGGCAGCTG[C>CT]TGAAGCAGCAGGAGAAGATGATCCGTGCCATGGAGTTGGCGGTTGCCCGCAGAGAGACCG-3'